The following is an entry in ClinVar:

NM_002775.5(HTRA1):c.837G>A (p.Val279=)

Gene: HTRA1 (HtrA serine peptidase 1; plus strand). Cytogenetic location: 10q26.13.
Variant type: single nucleotide variant.
Coding change: c.837G>A on transcript NM_002775.5 (MANE Select); coding-DNA position 837, G replaced by A.
Protein change: p.Val279=; no amino-acid change (valine 279 retained).
Molecular consequence: synonymous variant.
Genome position (GRCh38, 1-based): chr10:122,506,750, G>A. VCF-style: chr10-122506750-G-A. GRCh37 (hg19) VCF-style: chr10-124266266-G-A.
Identifiers: ClinVar variation 3054596 (VCV003054596.2), dbSNP rs769420456, ClinGen allele CA5725944.

ClinVar aggregate classification (germline): Likely benign (0 of 4 stars; one submission).

Conditions:
HTRA1-related disorder. Also called: HTRA1-related condition.

Allele frequency attached by ClinVar (database versions not stated): ExAC 0.00001; gnomAD exomes 0.00001; TOPMed 0.00001; gnomAD 0.00003.

Submission:

PreventionGenetics, part of Exact Sciences
Classification: Likely benign for HTRA1-related condition. Last evaluated: 2020-09-25. Review status: no assertion criteria provided. Collection method: clinical testing. Allele origin: germline.
Comment: This variant is classified as likely benign based on ACMG/AMP sequence variant interpretation guidelines (Richards et al. 2015 PMID: 25741868, with internal and published modifications).